The following is an entry in ClinVar:

ClinVar aggregate classification (germline): Uncertain significance. Review status: criteria provided, multiple submitters, no conflicts (2 of 4 stars). 2 submissions from 2 submitters: Uncertain significance (2). Last evaluated 2022-12-15.

Conditions:
Familial thoracic aortic aneurysm and aortic dissection (TAAD). Also called: Thoracic aortic aneurysms and dissections. Identifiers: Orphanet 91387, MedGen C4707243, MONDO:0019625.

Allele frequency attached by ClinVar (database versions not stated): ExAC 0.00001.
gnomAD v4.1: 17 of 1,612,032 alleles (0.0011%); highest among the groups gnomAD compares: Non-Finnish European, 0.0014%; no homozygotes.

Submissions (2):

GeneDx
Classification: Uncertain significance. Last evaluated: 2022-12-15. Review status: criteria provided, single submitter. Criteria: GeneDx Variant Classification Process June 2021. Collection method: clinical testing. Allele origin: germline. Affected: yes.
Comment: Not observed at significant frequency in large population cohorts (gnomAD); In silico analysis supports that this missense variant does not alter protein structure/function; Has not been previously published as pathogenic or benign to our knowledge

Ambry Genetics
Classification: Uncertain significance for Familial thoracic aortic aneurysm and aortic dissection. Last evaluated: 2022-11-02. Review status: criteria provided, single submitter. Criteria: Ambry Variant Classification Scheme 2023. Collection method: clinical testing. Allele origin: germline.
Comment: The p.L1756V variant (also known as c.5266C>G), located in coding exon 28 of the NOTCH1 gene, results from a C to G substitution at nucleotide position 5266. The leucine at codon 1756 is replaced by valine, an amino acid with highly similar properties. This amino acid position is conserved. In addition, this alteration is predicted to be tolerated by in silico analysis. Since supporting evidence is limited at this time, the clinical significance of this alteration remains unclear.

NM_017617.5(NOTCH1):c.5266C>G (p.Leu1756Val)

Gene: NOTCH1 (notch receptor 1; minus strand). Cytogenetic location: 9q34.3.
Variant type: single nucleotide variant.
Coding change: c.5266C>G on transcript NM_017617.5 (MANE Select); coding-DNA position 5266, C replaced by G.
Protein change: p.Leu1756Val; replaces leucine 1756 with valine.
Molecular consequence: missense variant.
Genome position (GRCh38, 1-based): chr9:136,502,390, G>C on the plus strand (C>G on the coding strand, the complement: NOTCH1 is on the minus strand). VCF-style: chr9-136502390-G-C. GRCh37 (hg19) VCF-style: chr9-139396842-G-C.
Other names: short protein forms L1756V.
Identifiers: ClinVar variation 2452167 (VCV002452167.3), dbSNP rs746342953, ClinGen allele CA5340344.